The following is an entry in ClinVar:

NM_004655.4(AXIN2):c.751T>C (p.Ser251Pro)

Gene: AXIN2 (axin 2; minus strand). Cytogenetic location: 17q24.1.
Variant type: single nucleotide variant.
Coding change: c.751T>C on transcript NM_004655.4 (MANE Select); coding-DNA position 751, T replaced by C.
Protein change: p.Ser251Pro; replaces serine 251 with proline.
Molecular consequence: missense variant.
Genome position (GRCh38, 1-based): chr17:65,557,870, A>G on the plus strand (T>C on the coding strand, the complement: AXIN2 is on the minus strand). VCF-style: chr17-65557870-A-G. GRCh37 (hg19) VCF-style: chr17-63553988-A-G.
Other names: c.751T>C (NM_004655.3); c.751T>C, p.Ser251Pro (NM_001363813.1); short protein forms S251P.
Identifiers: ClinVar variation 1465294 (VCV001465294.9), dbSNP rs2144582352, ClinGen allele CA400680352.

ClinVar aggregate classification (germline): Uncertain significance. Review status: criteria provided, multiple submitters, no conflicts (2 of 4 stars). 2 submissions from 2 submitters: Uncertain significance (2). Last evaluated 2023-12-11.

Conditions:
Hereditary cancer-predisposing syndrome. Also called: Tumor predisposition; Hereditary neoplastic syndrome; Hereditary Cancer Syndrome; Neoplastic Syndromes, Hereditary. Identifiers: Orphanet 140162, MedGen C0027672, MeSH D009386, MONDO:0015356.
Oligodontia-cancer predisposition syndrome. Also called: TOOTH AGENESIS-COLORECTAL CANCER SYNDROME. Identifiers: Orphanet 300576, MedGen C1837750, MONDO:0012075, OMIM 608615. Disease mechanism: loss of function.

Allele frequency attached by ClinVar (database versions not stated): gnomAD exomes below 0.00001.
gnomAD v4.1: 1 of 1,614,208 alleles (0.000062%); highest among the groups gnomAD compares: Non-Finnish European, 0.000085%; no homozygotes.

Submissions (2):

Ambry Genetics
Classification: Uncertain significance for Hereditary cancer-predisposing syndrome. Last evaluated: 2023-12-11. Review status: criteria provided, single submitter. Criteria: Ambry Variant Classification Scheme 2023. Collection method: clinical testing. Allele origin: germline.
Comment: The p.S251P variant (also known as c.751T>C), located in coding exon 1 of the AXIN2 gene, results from a T to C substitution at nucleotide position 751. The serine at codon 251 is replaced by proline, an amino acid with similar properties. This amino acid position is conserved. In addition, this alteration is predicted to be deleterious by in silico analysis. Since supporting evidence is limited at this time, the clinical significance of this alteration remains unclear.

Labcorp Genetics (formerly Invitae), Labcorp
Classification: Uncertain significance for Oligodontia-cancer predisposition syndrome. Last evaluated: 2020-11-23. Review status: criteria provided, single submitter. Criteria: Invitae Variant Classification Sherloc (09022015). Collection method: clinical testing. Allele origin: germline.
Comment: This variant has not been reported in the literature in individuals with AXIN2-related conditions. This variant is not present in population databases (ExAC no frequency). This sequence change replaces serine with proline at codon 251 of the AXIN2 protein (p.Ser251Pro). The serine residue is highly conserved and there is a moderate physicochemical difference between serine and proline. Algorithms developed to predict the effect of missense changes on protein structure and function are either unavailable or do not agree on the potential impact of this missense change (SIFT: "Tolerated"; PolyPhen-2: "Probably Damaging"; Align-GVGD: "Class C0"). In summary, the available evidence is currently insufficient to determine the role of this variant in disease. Therefore, it has been classified as a Variant of Uncertain Significance.